The following is an entry in ClinVar:

ClinVar aggregate classification (germline): Uncertain significance (1 of 4 stars; one submission).

Conditions:
SHORT syndrome. Also called: LIPODYSTROPHY, PARTIAL, WITH RIEGER ANOMALY AND SHORT STATURE; PIK3R1-Related SHORT Syndrome; SHORT STATURE, HYPEREXTENSIBILITY, HERNIA, OCULAR DEPRESSION, RIEGER ANOMALY, AND TEETHING DELAY. Identifiers: Orphanet 3163, MedGen C0878684, MONDO:0010026, OMIM 269880.
Agammaglobulinemia 7, autosomal recessive (AGM7). Also called: AGAMMAGLOBULINEMIA, AUTOSOMAL RECESSIVE, DUE TO PIK3R1 DEFECT. Identifiers: MedGen C3554689, MONDO:0014083, OMIM 615214.
Immunodeficiency 36 with lymphoproliferation. Also called: Immunodeficiency 36; ACTIVATED PI3K-DELTA SYNDROME 2; Activated PI3K Delta Syndrome Type 2 (APDS2). Identifiers: Orphanet 397596, Orphanet 693681, MedGen C4014934, MONDO:0014453, OMIM 616005.

Allele frequency attached by ClinVar (database versions not stated): gnomAD exomes below 0.00001; TOPMed below 0.00001.
gnomAD v4.1: 2 of 1,614,200 alleles (0.00012%); highest among the groups gnomAD compares: Non-Finnish European, 0.00017%; no homozygotes.

Submission:

Labcorp Genetics (formerly Invitae), Labcorp
Classification: Uncertain significance for SHORT syndrome; Immunodeficiency 36 with lymphoproliferation; Agammaglobulinemia 7, autosomal recessive. Last evaluated: 2025-10-21. Review status: criteria provided, single submitter. Criteria: Invitae Variant Classification Sherloc (09022015). Collection method: clinical testing. Allele origin: germline.
Comment: This sequence change replaces aspartic acid, which is acidic and polar, with glutamic acid, which is acidic and polar, at codon 620 of the PIK3R1 protein (p.Asp620Glu). This variant is present in population databases (no rsID available, gnomAD 0.0009%). This variant has not been reported in the literature in individuals affected with PIK3R1-related conditions. ClinVar contains an entry for this variant (Variation ID: 2939744). Invitae Evidence Modeling of protein sequence and biophysical properties (such as structural, functional, and spatial information, amino acid conservation, physicochemical variation, residue mobility, and thermodynamic stability) indicates that this missense variant is not expected to disrupt PIK3R1 protein function with a negative predictive value of 80%. In summary, the available evidence is currently insufficient to determine the role of this variant in disease. Therefore, it has been classified as a Variant of Uncertain Significance.

NM_181523.3(PIK3R1):c.1860T>G (p.Asp620Glu)

Gene: PIK3R1 (phosphoinositide-3-kinase regulatory subunit 1; plus strand). Cytogenetic location: 5q13.1.
Variant type: single nucleotide variant.
Coding change: c.1860T>G on transcript NM_181523.3 (MANE Select); coding-DNA position 1860, T replaced by G.
Protein change: p.Asp620Glu; replaces aspartic acid 620 with glutamic acid.
Molecular consequence: missense variant.
Genome position (GRCh38, 1-based): chr5:68,296,216, T>G. VCF-style: chr5-68296216-T-G. GRCh37 (hg19) VCF-style: chr5-67592044-T-G.
Other names: c.771T>G, p.Asp257Glu (NM_001242466.2); c.1050T>G, p.Asp350Glu (NM_181504.4); c.960T>G, p.Asp320Glu (NM_181524.2); short protein forms D257E, D320E, D350E, D620E.
Identifiers: ClinVar variation 2939744 (VCV002939744.3), dbSNP rs1354399749, ClinGen allele CA359883958.